The following is an entry in ClinVar:

NM_004360.5(CDH1):c.1253A>G (p.Asp418Gly)

Gene: CDH1 (cadherin 1; plus strand). Cytogenetic location: 16q22.1.
Variant type: single nucleotide variant.
Coding change: c.1253A>G on transcript NM_004360.5 (MANE Select); coding-DNA position 1253, A replaced by G.
Protein change: p.Asp418Gly; replaces aspartic acid 418 with glycine.
Molecular consequence: missense variant. On other transcripts: 5 prime UTR variant (2), intron variant (1).
Genome position (GRCh38, 1-based): chr16:68,813,428, A>G. VCF-style: chr16-68813428-A-G. GRCh37 (hg19) VCF-style: chr16-68847331-A-G.
Other names: c.-363A>G (NM_001317185.2); c.-567A>G (NM_001317186.2); c.1137+1165A>G (NM_001317184.2); short protein forms D418G.
Identifiers: ClinVar variation 2076026 (VCV002076026.4), dbSNP rs1379626654, ClinGen allele CA396461592.
Genomic context (GRCh38, chr16:68,813,428, plus strand): 5'-TGACTGATGCTGATGCCCCCAATACCCCAGCGTGGGAGGCTGTATACACCATATTGAATG[A>G]TGATGGTGGACAATTTGTCGTCACCACAAATCCAGTGAACAACGATGGCATTTTGAAAAC-3'
Protein context (NP_004351.1, residues 408-428): AWEAVYTILN[Asp418Gly]DGGQFVVTTN

ClinVar aggregate classification (germline): Uncertain significance (1 of 4 stars; one submission).

Conditions:
Hereditary diffuse gastric adenocarcinoma (HDGC). Also called: DIFFUSE GASTRIC AND LOBULAR BREAST CANCER SYNDROME. Identifiers: Orphanet 26106, MedGen C1708349, MONDO:0007648, OMIM 137215.

Submission:

Labcorp Genetics (formerly Invitae), Labcorp
Classification: Uncertain significance for Hereditary diffuse gastric adenocarcinoma. Last evaluated: 2022-01-06. Review status: criteria provided, single submitter. Criteria: Invitae Variant Classification Sherloc (09022015). Collection method: clinical testing. Allele origin: germline.
Comment: In summary, the available evidence is currently insufficient to determine the role of this variant in disease. Therefore, it has been classified as a Variant of Uncertain Significance. Algorithms developed to predict the effect of sequence changes on RNA splicing suggest that this variant may create or strengthen a splice site. Algorithms developed to predict the effect of missense changes on protein structure and function are either unavailable or do not agree on the potential impact of this missense change (SIFT: "Tolerated"; PolyPhen-2: "Possibly Damaging"; Align-GVGD: "Class C35"). This variant has not been reported in the literature in individuals affected with CDH1-related conditions. This variant is not present in population databases (gnomAD no frequency). This sequence change replaces aspartic acid, which is acidic and polar, with glycine, which is neutral and non-polar, at codon 418 of the CDH1 protein (p.Asp418Gly).